The following is an entry in ClinVar:

ClinVar aggregate classification (germline): Uncertain significance. Review status: criteria provided, single submitter (1 of 4 stars). 2 submissions from 2 submitters: Uncertain significance (1). 1 of the submissions does not count toward it. Last evaluated 2021-10-12.

Conditions:
Inborn genetic diseases. Identifiers: MedGen C0950123, MeSH D030342.
ATP2B3-related disorder. Also called: ATP2B3-related condition.

Submissions (2):

Ambry Genetics
Classification: Uncertain significance for Inborn genetic diseases. Last evaluated: 2021-10-12. Review status: criteria provided, single submitter. Criteria: Ambry Variant Classification Scheme 2023. Collection method: clinical testing. Allele origin: germline.

PreventionGenetics, part of Exact Sciences
Classification: Likely benign for ATP2B3-related condition. Last evaluated: 2022-10-03. Review status: no assertion criteria provided. Collection method: clinical testing. Allele origin: germline. Not counted in ClinVar's aggregate classification.
Comment: This variant is classified as likely benign based on ACMG/AMP sequence variant interpretation guidelines (Richards et al. 2015 PMID: 25741868, with internal and published modifications).

NM_001001344.3(ATP2B3):c.1874G>A (p.Arg625Gln)

Gene: ATP2B3 (ATPase plasma membrane Ca2+ transporting 3; plus strand). Cytogenetic location: Xq28.
Variant type: single nucleotide variant.
Coding change: c.1874G>A on transcript NM_001001344.3 (MANE Select); coding-DNA position 1874, G replaced by A.
Protein change: p.Arg625Gln; replaces arginine 625 with glutamine.
Molecular consequence: missense variant.
Genome position (GRCh38, 1-based): chrX:153,553,085, G>A. VCF-style: chrX-153553085-G-A. GRCh37 (hg19) VCF-style: chrX-152818543-G-A.
Other names: c.1874G>A, p.Arg625Gln (NM_001388360.1, NM_001388361.1, NM_001388362.1 and 1 more transcripts); c.1832G>A, p.Arg611Gln (NM_001410708.1); short protein forms R611Q, R625Q.
Identifiers: ClinVar variation 2377681 (VCV002377681.4), dbSNP rs199524794, ClinGen allele CA10547832.